The following is an entry in ClinVar:

NM_003126.4(SPTA1):c.2101C>A (p.Arg701Ser)

Gene: SPTA1 (spectrin alpha, erythrocytic 1; minus strand). Cytogenetic location: 1q23.1.
Variant type: single nucleotide variant.
Coding change: c.2101C>A on transcript NM_003126.4 (MANE Select); coding-DNA position 2101, C replaced by A.
Protein change: p.Arg701Ser; replaces arginine 701 with serine.
Molecular consequence: missense variant.
Genome position (GRCh38, 1-based): chr1:158,666,435, G>T on the plus strand (C>A on the coding strand, the complement: SPTA1 is on the minus strand). VCF-style: chr1-158666435-G-T. GRCh37 (hg19) VCF-style: chr1-158636225-G-T.
Other names: short protein forms R701S.
Identifiers: ClinVar variation 874810 (VCV000874810.8), dbSNP rs201048261, ClinGen allele CA1183515.

ClinVar aggregate classification (germline): Uncertain significance. Review status: criteria provided, multiple submitters, no conflicts (2 of 4 stars). 6 submissions from 4 submitters: Uncertain significance (5). 1 of the submissions does not count toward it. Last evaluated 2024-07-15.

Conditions:
SPTA1-related disorder. Also called: SPTA1-related condition; SPTA1-related disorders.
Hereditary spherocytosis type 3. Also called: SPTA1-Related Spherocytosis; Spherocytosis type 3. Identifiers: Orphanet 822, MedGen C2678338, MONDO:0010053, OMIM 270970.
Elliptocytosis 2 (EL2). Also called: ELLIPTOCYTOSIS, RHESUS-UNLINKED TYPE. Identifiers: Orphanet 288, MedGen C1851741, MONDO:0007533, OMIM 130600.
Pyropoikilocytosis, hereditary. Also called: Pyropoikilocytosis. Identifiers: MedGen C0520739, MONDO:0009948, OMIM 266140, HP:0004839. Disease mechanism: loss of function.

Allele frequency attached by ClinVar (database versions not stated): ESP Exome Variant Server 0.00008; TOPMed 0.00014.
gnomAD v4.1: 378 of 1,613,192 alleles (0.023%); highest among the groups gnomAD compares: Non-Finnish European, 0.031%; 1 homozygote.

Submissions (6):

Revvity Omics, Revvity
Classification: Uncertain significance. Last evaluated: 2024-07-15. Review status: criteria provided, single submitter. Criteria: ACMG Guidelines, 2015. Collection method: clinical testing. Allele origin: germline.

GeneDx
Classification: Uncertain significance. Last evaluated: 2022-02-21. Review status: criteria provided, single submitter. Criteria: GeneDx Variant Classification Process June 2021. Collection method: clinical testing. Allele origin: germline. Affected: yes.
Comment: In silico analysis supports that this missense variant does not alter protein structure/function; Has not been previously published as pathogenic or benign to our knowledge

Illumina Laboratory Services, Illumina
Classification: Uncertain significance for Pyropoikilocytosis, hereditary. Last evaluated: 2018-01-12. Review status: criteria provided, single submitter. Criteria: ICSL Variant Classification Criteria 13 December 2019. Collection method: clinical testing. Allele origin: germline.

Illumina Laboratory Services, Illumina
Classification: Uncertain significance for Hereditary spherocytosis type 3. Last evaluated: 2018-01-12. Review status: criteria provided, single submitter. Criteria: ICSL Variant Classification Criteria 13 December 2019. Collection method: clinical testing. Allele origin: germline.

Illumina Laboratory Services, Illumina
Classification: Uncertain significance for Elliptocytosis 2. Last evaluated: 2018-01-12. Review status: criteria provided, single submitter. Criteria: ICSL Variant Classification Criteria 13 December 2019. Collection method: clinical testing. Allele origin: germline.

PreventionGenetics, part of Exact Sciences
Classification: Uncertain significance for SPTA1-related condition. Last evaluated: 2023-11-08. Review status: no assertion criteria provided. Collection method: clinical testing. Allele origin: germline. Not counted in ClinVar's aggregate classification.
Comment: The SPTA1 c.2101C>A variant is predicted to result in the amino acid substitution p.Arg701Ser. To our knowledge, this variant has not been reported in the literature. This variant is reported in 0.017% of alleles in individuals of European (Non-Finnish) descent in gnomAD. At this time, the clinical significance of this variant is uncertain due to the absence of conclusive functional and genetic evidence.